The following is an entry in ClinVar:

ClinVar aggregate classification (germline): Benign/Likely benign; other. Review status: criteria provided, multiple submitters, no conflicts (2 of 4 stars). 20 submissions from 20 submitters: Benign (8); Likely benign (3). 8 of the submissions do not count toward it. Last evaluated 2026-02-04.

Conditions:
Metachromatic leukodystrophy (MLD). Also called: METACHROMATIC LEUKOENCEPHALOPATHY; Arylsulfatase A Deficiency; ARSA DEFICIENCY; CEREBROSIDE SULFATASE DEFICIENCY; SULFATIDE LIPIDOSIS; Cerebral sclerosis diffuse metachromatic form. Identifiers: Orphanet 512, MedGen C0023522, MONDO:0018868, OMIM 250100.
Metachromatic leukodystrophy, juvenile type. Also called: Metachromatic leukodystrophy, juvenile form. Identifiers: Orphanet 309263, MedGen C0751276, MONDO:0009591.

Allele frequency attached by ClinVar (database versions not stated): gnomAD exomes 0.13730 and 0.16546; gnomAD 0.19239 and 0.19530; 1000 Genomes Project 30x 0.22892; ExAC 0.21660; 1000 Genomes Project 0.22484; TOPMed 0.21494.
gnomAD v4.1: 225,379 of 1,576,320 alleles (14%); highest among the groups gnomAD compares: African/African-American, 34%; 18,971 homozygotes.

Submissions (20):

Labcorp Genetics (formerly Invitae), Labcorp
Classification: Benign for Metachromatic leukodystrophy. Last evaluated: 2026-02-04. Review status: criteria provided, single submitter. Criteria: Invitae Variant Classification Sherloc (09022015). Collection method: clinical testing. Allele origin: germline.

Genomic Medicine Center of Excellence, King Faisal Specialist Hospital and Research Centre
Classification: Likely benign for Metachromatic leukodystrophy. Last evaluated: 2025-07-30. Review status: criteria provided, single submitter. Criteria: ACMG Guidelines, 2015. Collection method: clinical testing. Allele origin: germline.

Blueprint Genetics
Classification: Benign. Last evaluated: 2024-11-28. Review status: criteria provided, single submitter. Criteria: ACMG Guidelines, 2015. Collection method: clinical testing. Allele origin: germline.

GeneDx
Classification: Benign. Last evaluated: 2021-11-11. Review status: criteria provided, single submitter. Criteria: GeneDx Variant Classification Process June 2021. Collection method: clinical testing. Allele origin: germline. Affected: yes.
Comment: This variant is associated with the following publications: (PMID: 2574462, 21648305, 8897113, 30026549, 32437521, 26577183, 31670782, 32470555, 31312839, 31694723, 23581857)

Genome-Nilou Lab
Classification: Benign for Metachromatic leukodystrophy. Last evaluated: 2021-06-10. Review status: criteria provided, single submitter. Criteria: ACMG Guidelines, 2015. Collection method: clinical testing. Allele origin: germline. Affected: no.

Mendelics
Classification: Likely benign for Metachromatic leukodystrophy. Last evaluated: 2019-05-28. Review status: criteria provided, single submitter. Criteria: Mendelics Assertion Criteria 2017. Collection method: clinical testing. Allele origin: unknown.

SIB Swiss Institute of Bioinformatics
Classification: Benign for Metachromatic leukodystrophy. Last evaluated: 2018-10-15. Review status: criteria provided, single submitter. Criteria: ACMG Guidelines, 2015. Collection method: curation. Allele origin: germline.
Comment: This variant is interpreted as Benign - Stand Alone, for Metachromatic leukodystrophy, autosomal recessive. The following ACMG Tag(s) were applied: BA1 => Allele frequency is >5% in Exome Sequencing Project, 1000 Genomes Project, or Exome Aggregation Consortium. BP4 => Multiple lines of computational evidence suggest no impact on gene or gene product (conservation, evolutionary, splicing impact, etc.). BS3 => Well-established in vitro or in vivo functional studies show no damaging effect on protein function or splicing (PubMed 11941485) (PubMed 2574462).

Eurofins Ntd Llc (ga)
Classification: other. Last evaluated: 2018-07-24. Review status: criteria provided, single submitter. Criteria: EGL ClinVar v180209 classification definitions. Collection method: clinical testing. Allele origin: germline. Observed: 581 variant alleles, 515 heterozygotes, 64 homozygotes.

Illumina Laboratory Services, Illumina
Classification: Benign for Metachromatic leukodystrophy. Last evaluated: 2018-03-06. Review status: criteria provided, single submitter. Criteria: ICSL Variant Classification Criteria 13 December 2019. Collection method: clinical testing. Allele origin: germline.
Comment: This variant was observed in the ICSL laboratory as part of a predisposition screen in an ostensibly healthy population. It had not been previously curated by ICSL or reported in the Human Gene Mutation Database (HGMD: prior to June 1st, 2018), and was therefore a candidate for classification through an automated scoring system. Utilizing variant allele frequency, disease prevalence and penetrance estimates, and inheritance mode, an automated score was calculated to assess if this variant is too frequent to cause the disease. Based on the score and internal cut-off values, a variant classified as benign is not then subjected to further curation. The score for this variant resulted in a classification of benign for this disease.

Center for Pediatric Genomic Medicine, Children's Mercy Hospital and Clinics
Classification: Benign. Last evaluated: 2016-10-11. Review status: criteria provided, single submitter. Criteria: ACMG Guidelines, 2015. Collection method: clinical testing. Allele origin: germline.

Breakthrough Genomics
Classification: Likely benign. Review status: criteria provided, single submitter. Criteria: ACMG Guidelines, 2015. Collection method: not provided. Allele origin: germline. Inheritance: Autosomal recessive inheritance. Affected: yes.

PreventionGenetics, part of Exact Sciences
Classification: Benign. Review status: criteria provided, single submitter. Criteria: ACMG Guidelines, 2015. Collection method: clinical testing. Allele origin: germline.

Natera, Inc.
Classification: Benign for Metachromatic leukodystrophy. Last evaluated: 2019-12-10. Review status: no assertion criteria provided. Collection method: clinical testing. Allele origin: germline. Not counted in ClinVar's aggregate classification.

OMIM
Classification: Benign for ARSA POLYMORPHISM. Last evaluated: 1997-12-01. Review status: no assertion criteria provided. Collection method: literature only. Allele origin: germline. Not counted in ClinVar's aggregate classification.

Clinical Genetics, Academic Medical Center
Classification: Benign. Review status: no assertion criteria provided. Collection method: clinical testing. Allele origin: germline. Affected: yes. Study: VKGL Data-share Consensus. Not counted in ClinVar's aggregate classification.

Department of Pathology and Laboratory Medicine, Sinai Health System
Classification: Uncertain significance for Metachromatic leukodystrophy, juvenile type. Review status: no assertion criteria provided. Collection method: clinical testing. Allele origin: unknown. Affected: yes. Study: The Canadian Open Genetics Repository (COGR). Not counted in ClinVar's aggregate classification.
Comment: ClinVar reports this variant as a Pseudodeficiency allele from ClinVar. Homozygosity for the p.Asn350Ser variant alone results in 50% or more of the mean control ARSA enzyme activity in leukocytes.Â¬â€ Allele frequency is common in at least one population database (frequency: 39.478% in ExAC) based on the frequency threshold of 1.151% for this gene.Variant was observed in a homozygous state in population databases more than expected for disease.This variant is interpreted as Benign - Stand Alone, for Metachromatic leukodystrophy, autosomal recessive. The following ACMG Tag(s) were applied: BA1 => Allele frequency is >5% in Exome Sequencing Project, 1000 Genomes Project, or Exome Aggregation Consortium. BP4 => Multiple lines of computational evidence suggest no impact on gene or gene product (conservation, evolutionary, splicing impact, etc.). BS3 => Well-established in vitro or in vivo functional studies show no damaging effect on protein function or splicing (PubMed 11941485) (PubMed 2574462). (ClinVar: SIB Swiss Institute of Bioinformatics)

Diagnostic Laboratory, Department of Genetics, University Medical Center Groningen
Classification: Benign. Review status: no assertion criteria provided. Collection method: clinical testing. Allele origin: germline. Affected: yes. Study: VKGL Data-share Consensus. Not counted in ClinVar's aggregate classification.

GeneReviews
No classification provided. Condition: Metachromatic leukodystrophy. Review status: no classification provided. Collection method: literature only. Allele origin: germline. Not counted in ClinVar's aggregate classification.

Genome Diagnostics Laboratory, University Medical Center Utrecht
Classification: Benign. Review status: no assertion criteria provided. Collection method: clinical testing. Allele origin: germline. Affected: yes. Study: VKGL Data-share Consensus. Not counted in ClinVar's aggregate classification.

Joint Genome Diagnostic Labs from Nijmegen and Maastricht, Radboudumc and MUMC+
Classification: Benign. Review status: no assertion criteria provided. Collection method: clinical testing. Allele origin: germline. Affected: yes. Study: VKGL Data-share Consensus. Not counted in ClinVar's aggregate classification.

Literature cited by the submitters: PubMed 11941485 (cited by SIB Swiss Institute of Bioinformatics); PubMed 2574462 (cited by SIB Swiss Institute of Bioinformatics and Eurofins Ntd Llc (ga)); PubMed 7866401 (cited by OMIM); PubMed 9402957 (cited by OMIM); NCBI Bookshelf NBK1130 (cited by GeneReviews).

NM_000487.6(ARSA):c.1055A>G (p.Asn352Ser)

Gene: ARSA (arylsulfatase A; minus strand). Cytogenetic location: 22q13.33.
Variant type: single nucleotide variant.
Coding change: c.1055A>G on transcript NM_000487.6 (MANE Select); coding-DNA position 1055, A replaced by G.
Protein change: p.Asn352Ser; replaces asparagine 352 with serine.
Molecular consequence: missense variant.
Genome position (GRCh38, 1-based): chr22:50,625,988, T>C on the plus strand (A>G on the coding strand, the complement: ARSA is on the minus strand). VCF-style: chr22-50625988-T-C. GRCh37 (hg19) VCF-style: chr22-51064416-T-C.
Other names: N350S; c.1055A>G, p.Asn352Ser (NM_001085425.3, NM_001085426.3, NM_001085427.3); c.797A>G, p.Asn266Ser (NM_001085428.3, NM_001362782.2); short protein forms N352S, N266S.
Identifiers: ClinVar variation 3050 (VCV000003050.43), dbSNP rs2071421, ClinGen allele CA115954.